The following is an entry in ClinVar:

NM_000702.4(ATP1A2):c.2319C>T (p.Ile773=)

Gene: ATP1A2 (ATPase Na+/K+ transporting subunit alpha 2; plus strand). Cytogenetic location: 1q23.2.
Variant type: single nucleotide variant.
Coding change: c.2319C>T on transcript NM_000702.4 (MANE Select); coding-DNA position 2319, C replaced by T.
Protein change: p.Ile773=; no amino-acid change (isoleucine 773 retained).
Molecular consequence: synonymous variant.
Genome position (GRCh38, 1-based): chr1:160,135,873, C>T. VCF-style: chr1-160135873-C-T. GRCh37 (hg19) VCF-style: chr1-160105663-C-T.
Other names: c.2319C>T (NM_000702.3).
Identifiers: ClinVar variation 1147931 (VCV001147931.10), dbSNP rs764544114, ClinGen allele CA1194725.

ClinVar aggregate classification (germline): Likely benign. Review status: criteria provided, single submitter (1 of 4 stars). 2 submissions from 2 submitters: Likely benign (1). 1 of the submissions does not count toward it. Last evaluated 2022-08-09.

Conditions:
Familial hemiplegic migraine. Identifiers: MedGen C0338484, MONDO:0000700.
ATP1A2-related disorder. Also called: ATP1A2-related condition; ATP1A2-RELATED DISORDERS.

Allele frequency attached by ClinVar (database versions not stated): gnomAD exomes 0.00001 and 0.00002; ExAC 0.00003.
gnomAD v4.1: 20 of 1,614,150 alleles (0.0012%); highest among the groups gnomAD compares: East Asian, 0.0089%; no homozygotes.

Submissions (2):

Labcorp Genetics (formerly Invitae), Labcorp
Classification: Likely benign for Familial hemiplegic migraine. Last evaluated: 2022-08-09. Review status: criteria provided, single submitter. Criteria: Invitae Variant Classification Sherloc (09022015). Collection method: clinical testing. Allele origin: germline.

PreventionGenetics, part of Exact Sciences
Classification: Likely benign for ATP1A2-related condition. Last evaluated: 2024-03-06. Review status: no assertion criteria provided. Collection method: clinical testing. Allele origin: germline. Not counted in ClinVar's aggregate classification.
Comment: This variant is classified as likely benign based on ACMG/AMP sequence variant interpretation guidelines (Richards et al. 2015 PMID: 25741868, with internal and published modifications).